The following is an entry in ClinVar:

ClinVar aggregate classification (germline): Uncertain significance (1 of 4 stars; one submission).

gnomAD v4.1: 6 of 1,614,218 alleles (0.00037%); highest among the groups gnomAD compares: Non-Finnish European, 0.00051%; no homozygotes.

Submission:

Labcorp Genetics (formerly Invitae), Labcorp
Classification: Uncertain significance. Last evaluated: 2025-07-13. Review status: criteria provided, single submitter. Criteria: Invitae Variant Classification Sherloc (09022015). Collection method: clinical testing. Allele origin: germline.
Comment: This sequence change replaces leucine, which is neutral and non-polar, with phenylalanine, which is neutral and non-polar, at codon 410 of the LEMD3 protein (p.Leu410Phe). This variant is not present in population databases (gnomAD no frequency). This variant has not been reported in the literature in individuals affected with LEMD3-related conditions. Invitae Evidence Modeling of protein sequence and biophysical properties (such as structural, functional, and spatial information, amino acid conservation, physicochemical variation, residue mobility, and thermodynamic stability) indicates that this missense variant is not expected to disrupt LEMD3 protein function with a negative predictive value of 80%. In summary, the available evidence is currently insufficient to determine the role of this variant in disease. Therefore, it has been classified as a Variant of Uncertain Significance.

NM_014319.5(LEMD3):c.1228C>T (p.Leu410Phe)

Gene: LEMD3 (LEM domain containing 3; plus strand). Cytogenetic location: 12q14.3.
Variant type: single nucleotide variant.
Coding change: c.1228C>T on transcript NM_014319.5 (MANE Select); coding-DNA position 1228, C replaced by T.
Protein change: p.Leu410Phe; replaces leucine 410 with phenylalanine.
Molecular consequence: missense variant.
Genome position (GRCh38, 1-based): chr12:65,170,824, C>T. VCF-style: chr12-65170824-C-T. GRCh37 (hg19) VCF-style: chr12-65564604-C-T.
Other names: c.1228C>T, p.Leu410Phe (NM_001167614.2); short protein forms L410F.
Identifiers: ClinVar variation 4692412 (VCV004692412.1).